The following is an entry in ClinVar:

NM_006005.3(WFS1):c.1525_1539dup (p.Tyr513_Leu514insValTyrLeuLeuTyr)

Gene: WFS1 (wolframin ER transmembrane glycoprotein; plus strand). Cytogenetic location: 4p16.1.
Variant type: Duplication.
Coding change: c.1525_1539dup on transcript NM_006005.3 (MANE Select); coding-DNA positions 1525 to 1539, 15 bases duplicated (GTCTACCTGCTCTAT).
Protein change: p.Tyr513_Leu514insValTyrLeuLeuTyr.
Molecular consequence: inframe insertion.
Genome position (GRCh38, 1-based): chr4:6,301,320-6,301,334, GTCTACCTGCTCTAT duplicated; duplicating any 15 consecutive bases within chr4:6,301,310-6,301,334 gives the same sequence; the c. name uses the placement nearest the transcript's 3' end. VCF-style (leftmost placement, unchanged base first): chr4-6301309-G-GCCTGCTCTATGTCTA. GRCh37 (hg19) VCF-style: chr4-6303036-G-GCCTGCTCTATGTCTA.
Other names: c.1525_1539dup, p.Tyr513_Leu514insValTyrLeuLeuTyr (NM_001145853.1).
Identifiers: ClinVar variation 2194621 (VCV002194621.4), dbSNP rs781262017, ClinGen allele CA549707910.

ClinVar aggregate classification (germline): Uncertain significance (1 of 4 stars; one submission).

Submission:

Labcorp Genetics (formerly Invitae), Labcorp
Classification: Uncertain significance. Last evaluated: 2022-08-31. Review status: criteria provided, single submitter. Criteria: Invitae Variant Classification Sherloc (09022015). Collection method: clinical testing. Allele origin: germline.
Comment: This variant has not been reported in the literature in individuals affected with WFS1-related conditions. This variant is present in population databases (no rsID available, gnomAD 0.007%). This variant, c.1525_1539dup, results in the insertion of 5 amino acid(s) of the WFS1 protein (p.Val509_Tyr513dup), but otherwise preserves the integrity of the reading frame. In summary, the available evidence is currently insufficient to determine the role of this variant in disease. Therefore, it has been classified as a Variant of Uncertain Significance. Experimental studies and prediction algorithms are not available or were not evaluated, and the functional significance of this variant is currently unknown.